The following is an entry in ClinVar:

ClinVar aggregate classification (germline): Conflicting classifications of pathogenicity. Review status: criteria provided, conflicting classifications (1 of 4 stars). 5 submissions from 5 submitters: Uncertain significance (1); Likely benign (2). 2 of the submissions do not count toward it. Last evaluated 2025-03-17.

Conditions:
RASopathy. Also called: Noonan spectrum disorder; rasopathies. Identifiers: Orphanet 536391, MedGen C5555857, MONDO:0021060.
Cardiovascular phenotype. Identifiers: MedGen CN230736.

Allele frequency attached by ClinVar (database versions not stated): gnomAD exomes below 0.00001 and 0.00001; ExAC 0.00001; TOPMed 0.00001; gnomAD 0.00002.
gnomAD v4.1: 9 of 1,602,382 alleles (0.00056%); highest among the groups gnomAD compares: South Asian, 0.0055%; no homozygotes.

Submissions (5):

Labcorp Genetics (formerly Invitae), Labcorp
Classification: Likely benign for RASopathy. Last evaluated: 2025-03-17. Review status: criteria provided, single submitter. Criteria: Invitae Variant Classification Sherloc (09022015). Collection method: clinical testing. Allele origin: germline.

Ambry Genetics
Classification: Uncertain significance for Cardiovascular phenotype. Last evaluated: 2023-08-11. Review status: criteria provided, single submitter. Criteria: Ambry Variant Classification Scheme 2023. Collection method: clinical testing. Allele origin: germline.
Comment: The p.N999S variant (also known as c.2996A>G), located in coding exon 19 of the SOS1 gene, results from an A to G substitution at nucleotide position 2996. The asparagine at codon 999 is replaced by serine, an amino acid with highly similar properties. This amino acid position is not well conserved in available vertebrate species. In addition, this alteration is predicted to be tolerated by in silico analysis. Since supporting evidence is limited at this time, the clinical significance of this alteration remains unclear.

Blueprint Genetics
Classification: Likely benign. Last evaluated: 2022-07-17. Review status: criteria provided, single submitter. Criteria: ACMG Guidelines, 2015. Collection method: clinical testing. Allele origin: germline.

Genome Diagnostics Laboratory, University Medical Center Utrecht
Classification: Likely benign. Review status: no assertion criteria provided. Collection method: clinical testing. Allele origin: germline. Affected: yes. Study: VKGL Data-share Consensus. Not counted in ClinVar's aggregate classification.

Laboratory of Diagnostic Genome Analysis, Leiden University Medical Center (LUMC)
Classification: Likely benign. Review status: no assertion criteria provided. Collection method: clinical testing. Allele origin: germline. Affected: yes. Study: VKGL Data-share Consensus. Not counted in ClinVar's aggregate classification.

NM_005633.4(SOS1):c.2996A>G (p.Asn999Ser)

Gene: SOS1 (SOS Ras/Rac guanine nucleotide exchange factor 1; minus strand). Cytogenetic location: 2p22.1.
Variant type: single nucleotide variant.
Coding change: c.2996A>G on transcript NM_005633.4 (MANE Select); coding-DNA position 2996, A replaced by G.
Protein change: p.Asn999Ser; replaces asparagine 999 with serine.
Molecular consequence: missense variant.
Genome position (GRCh38, 1-based): chr2:38,997,007, T>C on the plus strand (A>G on the coding strand, the complement: SOS1 is on the minus strand). VCF-style: chr2-38997007-T-C. GRCh37 (hg19) VCF-style: chr2-39224148-T-C.
Other names: c.2975A>G, p.Asn992Ser (NM_001382394.1); c.2996A>G, p.Asn999Ser (NM_001382395.1); short protein forms N992S, N999S.
Identifiers: ClinVar variation 1206408 (VCV001206408.8), dbSNP rs765070830, ClinGen allele CA1624281.